The following is an entry in ClinVar:

ClinVar aggregate classification (germline): Uncertain significance (1 of 4 stars; one submission).

Submission:

Labcorp Genetics (formerly Invitae), Labcorp
Classification: Uncertain significance. Last evaluated: 2024-12-16. Review status: criteria provided, single submitter. Criteria: Invitae Variant Classification Sherloc (09022015). Collection method: clinical testing. Allele origin: germline.
Comment: This sequence change replaces histidine, which is basic and polar, with glutamine, which is neutral and polar, at codon 271 of the PPP3CA protein (p.His271Gln). The frequency data for this variant in the population databases is considered unreliable, as metrics indicate poor data quality at this position in the gnomAD database. This variant has not been reported in the literature in individuals affected with PPP3CA-related conditions. ClinVar contains an entry for this variant (Variation ID: 1960217). Invitae Evidence Modeling of protein sequence and biophysical properties (such as structural, functional, and spatial information, amino acid conservation, physicochemical variation, residue mobility, and thermodynamic stability) indicates that this missense variant is not expected to disrupt PPP3CA protein function with a negative predictive value of 80%. In summary, the available evidence is currently insufficient to determine the role of this variant in disease. Therefore, it has been classified as a Variant of Uncertain Significance.

NM_000944.5(PPP3CA):c.813C>A (p.His271Gln)

Gene: PPP3CA (protein phosphatase 3 catalytic subunit alpha; minus strand). Cytogenetic location: 4q24.
Variant type: single nucleotide variant.
Coding change: c.813C>A on transcript NM_000944.5 (MANE Select); coding-DNA position 813, C replaced by A.
Protein change: p.His271Gln; replaces histidine 271 with glutamine.
Molecular consequence: missense variant.
Genome position (GRCh38, 1-based): chr4:101,083,233, G>T on the plus strand (C>A on the coding strand, the complement: PPP3CA is on the minus strand). VCF-style: chr4-101083233-G-T. GRCh37 (hg19) VCF-style: chr4-102004390-G-T.
Other names: c.813C>A, p.His271Gln (NM_001130691.2, NM_001130692.2); short protein forms H271Q.
Identifiers: ClinVar variation 1960217 (VCV001960217.5), dbSNP rs1444501462, ClinGen allele CA357948480.